The following is an entry in ClinVar:

ClinVar aggregate classification (germline): Benign. Review status: criteria provided, multiple submitters, no conflicts (2 of 4 stars). 8 submissions from 8 submitters: Benign (6). 2 of the submissions do not count toward it. Last evaluated 2026-09-01.

Allele frequency attached by ClinVar (database versions not stated): 1000 Genomes Project 30x 0.00234; 1000 Genomes Project 0.00260; TOPMed 0.00292; ESP Exome Variant Server 0.00423; gnomAD exomes 0.00586 and 0.00663; gnomAD 0.00590 and 0.00614; ExAC 0.00625.
gnomAD v4.1: 9,404 of 1,612,902 alleles (0.58%); highest among the groups gnomAD compares: Non-Finnish European, 0.53%; 99 homozygotes.

Submissions (8):

CeGaT Center for Human Genetics Tuebingen
Classification: Benign. Last evaluated: 2026-09-01. Review status: criteria provided, single submitter. Criteria: CeGaT Center For Human Genetics Tuebingen Variant Classification Criteria Version 2. Collection method: clinical testing. Allele origin: germline. Affected: yes. Observed: 43 variant alleles.
Comment: KMT2A: BS1, BS2

Labcorp Genetics (formerly Invitae), Labcorp
Classification: Benign. Last evaluated: 2026-02-03. Review status: criteria provided, single submitter. Criteria: Invitae Variant Classification Sherloc (09022015). Collection method: clinical testing. Allele origin: germline.

GeneDx
Classification: Benign. Last evaluated: 2020-02-17. Review status: criteria provided, single submitter. Criteria: GeneDx Variant Classification Process June 2021. Collection method: clinical testing. Allele origin: germline. Affected: yes.

Center for Pediatric Genomic Medicine, Children's Mercy Hospital and Clinics
Classification: Benign. Last evaluated: 2017-05-03. Review status: criteria provided, single submitter. Criteria: ACMG Guidelines, 2015. Collection method: clinical testing. Allele origin: germline.

Genetic Services Laboratory, University of Chicago
Classification: Benign. Last evaluated: 2016-12-02. Review status: criteria provided, single submitter. Criteria: ACMG Guidelines, 2015. Collection method: clinical testing. Allele origin: germline. Affected: no.

Breakthrough Genomics
Classification: Benign. Review status: criteria provided, single submitter. Criteria: ACMG Guidelines, 2015. Collection method: not provided. Allele origin: germline. Inheritance: Autosomal dominant inheritance. Affected: yes.

Clinical Genetics DNA and cytogenetics Diagnostics Lab, Erasmus MC, Erasmus Medical Center
Classification: Likely benign. Review status: no assertion criteria provided. Collection method: clinical testing. Allele origin: germline. Affected: yes. Study: VKGL Data-share Consensus. Not counted in ClinVar's aggregate classification.

Laboratory of Diagnostic Genome Analysis, Leiden University Medical Center (LUMC)
Classification: Benign. Review status: no assertion criteria provided. Collection method: clinical testing. Allele origin: germline. Affected: yes. Study: VKGL Data-share Consensus. Not counted in ClinVar's aggregate classification.

NM_001197104.2(KMT2A):c.1504G>A (p.Glu502Lys)

Gene: KMT2A (lysine methyltransferase 2A; plus strand). Cytogenetic location: 11q23.3.
Variant type: single nucleotide variant.
Coding change: c.1504G>A on transcript NM_001197104.2 (MANE Select); coding-DNA position 1504, G replaced by A.
Protein change: p.Glu502Lys; replaces glutamic acid 502 with lysine.
Molecular consequence: missense variant.
Genome position (GRCh38, 1-based): chr11:118,472,663, G>A. VCF-style: chr11-118472663-G-A. GRCh37 (hg19) VCF-style: chr11-118343378-G-A.
Other names: c.1504G>A, p.Glu502Lys (NM_005933.4); short protein forms E502K.
Identifiers: ClinVar variation 211313 (VCV000211313.49), dbSNP rs9332772, ClinGen allele CA205872.